The following is an entry in ClinVar:

NM_025099.6(CTC1):c.2888C>G (p.Pro963Arg)

Gene: CTC1 (CST telomere replication complex component 1; minus strand). Cytogenetic location: 17p13.1.
Variant type: single nucleotide variant.
Coding change: c.2888C>G on transcript NM_025099.6 (MANE Select); coding-DNA position 2888, C replaced by G.
Protein change: p.Pro963Arg; replaces proline 963 with arginine.
Molecular consequence: missense variant. On other transcripts: non-coding transcript variant (1).
Genome position (GRCh38, 1-based): chr17:8,230,339, G>C on the plus strand (C>G on the coding strand, the complement: CTC1 is on the minus strand). VCF-style: chr17-8230339-G-C. GRCh37 (hg19) VCF-style: chr17-8133657-G-C.
Other names: c.2888C>G, p.Pro963Arg (NM_001411067.1); short protein forms P963R.
Identifiers: ClinVar variation 2969472 (VCV002969472.3), dbSNP rs1266350996, ClinGen allele CA397973911.

ClinVar aggregate classification (germline): Uncertain significance (1 of 4 stars; one submission).

Conditions:
Dyskeratosis congenita. Identifiers: Orphanet 1775, MedGen C0265965, MONDO:0015780.

Allele frequency attached by ClinVar (database versions not stated): gnomAD exomes below 0.00001.

Submission:

Labcorp Genetics (formerly Invitae), Labcorp
Classification: Uncertain significance for Dyskeratosis congenita. Last evaluated: 2023-09-25. Review status: criteria provided, single submitter. Criteria: Invitae Variant Classification Sherloc (09022015). Collection method: clinical testing. Allele origin: germline.
Comment: In summary, the available evidence is currently insufficient to determine the role of this variant in disease. Therefore, it has been classified as a Variant of Uncertain Significance. Advanced modeling of protein sequence and biophysical properties (such as structural, functional, and spatial information, amino acid conservation, physicochemical variation, residue mobility, and thermodynamic stability) performed at Invitae indicates that this missense variant is expected to disrupt CTC1 protein function. This variant has not been reported in the literature in individuals affected with CTC1-related conditions. This variant is not present in population databases (gnomAD no frequency). This sequence change replaces proline, which is neutral and non-polar, with arginine, which is basic and polar, at codon 963 of the CTC1 protein (p.Pro963Arg).